The following is an entry in ClinVar:

NM_000240.4(MAOA):c.1466C>A (p.Thr489Asn)

Gene: MAOA (monoamine oxidase A; plus strand). Cytogenetic location: Xp11.3.
Variant type: single nucleotide variant.
Coding change: c.1466C>A on transcript NM_000240.4 (MANE Select); coding-DNA position 1466, C replaced by A.
Protein change: p.Thr489Asn; replaces threonine 489 with asparagine.
Molecular consequence: missense variant.
Genome position (GRCh38, 1-based): chrX:43,744,395, C>A. VCF-style: chrX-43744395-C-A. GRCh37 (hg19) VCF-style: chrX-43603642-C-A.
Other names: c.1067C>A, p.Thr356Asn (NM_001270458.2); short protein forms T356N, T489N.
Identifiers: ClinVar variation 3904839 (VCV003904839.10).

ClinVar aggregate classification (germline): Uncertain significance (1 of 4 stars; one submission).

Submission:

CeGaT Center for Human Genetics Tuebingen
Classification: Uncertain significance. Last evaluated: 2025-06-01. Review status: criteria provided, single submitter. Criteria: CeGaT Center For Human Genetics Tuebingen Variant Classification Criteria Version 2. Collection method: clinical testing. Allele origin: germline. Affected: yes. Observed: 1 variant allele.
Comment: MAOA: PM2, BP4